The following is an entry in ClinVar:

ClinVar aggregate classification (germline): Uncertain significance. Review status: criteria provided, multiple submitters, no conflicts (2 of 4 stars). 2 submissions from 2 submitters: Uncertain significance (2). Last evaluated 2025-10-28.

Conditions:
SEMA3E-related disorder. Also called: SEMA3E-related condition.
CHARGE syndrome (CHARGE). Also called: Hittner Hirsch Kreh syndrome; CHARGE ASSOCIATION--COLOBOMA, HEART ANOMALY, CHOANAL ATRESIA, RETARDATION, GENITAL AND EAR ANOMALIES; Coloboma, heart anomaly, choanal atresia, retardation, genital and ear anomalies; CHARGE association; Hall-Hittner syndrome. Identifiers: Orphanet 138, MedGen C0265354, MONDO:0008965.

Allele frequency attached by ClinVar (database versions not stated): ExAC 0.00001.
gnomAD v4.1: 11 of 1,613,676 alleles (0.00068%); highest among the groups gnomAD compares: South Asian, 0.0033%; no homozygotes.

Submissions (2):

PreventionGenetics, part of Exact Sciences
Classification: Uncertain significance for SEMA3E-related condition. Last evaluated: 2025-10-28. Review status: criteria provided, single submitter. Criteria: ACMG Guidelines, 2015. Collection method: clinical testing. Allele origin: germline.
Comment: The SEMA3E c.1636C>T variant is predicted to result in the amino acid substitution p.Arg546Trp. To our knowledge, this variant has not been reported in the literature. This variant is reported in 0.0033% of alleles in individuals of South Asian descent in gnomAD and is classified as uncertain in ClinVar (Variation ID: 2054579). At this time, the clinical significance of this variant is uncertain due to the absence of conclusive functional and genetic evidence.

Labcorp Genetics (formerly Invitae), Labcorp
Classification: Uncertain significance for CHARGE syndrome. Last evaluated: 2025-06-22. Review status: criteria provided, single submitter. Criteria: Invitae Variant Classification Sherloc (09022015). Collection method: clinical testing. Allele origin: germline.
Comment: This sequence change replaces arginine, which is basic and polar, with tryptophan, which is neutral and slightly polar, at codon 546 of the SEMA3E protein (p.Arg546Trp). This variant is present in population databases (rs781734004, gnomAD 0.003%). This variant has not been reported in the literature in individuals affected with SEMA3E-related conditions. ClinVar contains an entry for this variant (Variation ID: 2054579). Invitae Evidence Modeling of protein sequence and biophysical properties (such as structural, functional, and spatial information, amino acid conservation, physicochemical variation, residue mobility, and thermodynamic stability) has been performed for this missense variant. However, the output from this modeling did not meet the statistical confidence thresholds required to predict the impact of this variant on SEMA3E protein function. In summary, the available evidence is currently insufficient to determine the role of this variant in disease. Therefore, it has been classified as a Variant of Uncertain Significance.

NM_012431.3(SEMA3E):c.1636C>T (p.Arg546Trp)

Gene: SEMA3E (semaphorin 3E; minus strand). Cytogenetic location: 7q21.11.
Variant type: single nucleotide variant.
Coding change: c.1636C>T on transcript NM_012431.3 (MANE Select); coding-DNA position 1636, C replaced by T.
Protein change: p.Arg546Trp; replaces arginine 546 with tryptophan.
Molecular consequence: missense variant.
Genome position (GRCh38, 1-based): chr7:83,392,586, G>A on the plus strand (C>T on the coding strand, the complement: SEMA3E is on the minus strand). VCF-style: chr7-83392586-G-A. GRCh37 (hg19) VCF-style: chr7-83021902-G-A.
Other names: c.1456C>T, p.Arg486Trp (NM_001178129.2); c.1636C>T (NM_012431.2); short protein forms R546W, R486W.
Identifiers: ClinVar variation 2054579 (VCV002054579.5), dbSNP rs781734004, ClinGen allele CA4321962.